The following is an entry in ClinVar:

NM_015665.6(AAAS):c.581G>A (p.Arg194Gln)

Gene: AAAS (aladin WD repeat nucleoporin; minus strand). Cytogenetic location: 12q13.13.
Variant type: single nucleotide variant.
Coding change: c.581G>A on transcript NM_015665.6 (MANE Select); coding-DNA position 581, G replaced by A.
Protein change: p.Arg194Gln; replaces arginine 194 with glutamine.
Molecular consequence: missense variant.
Genome position (GRCh38, 1-based): chr12:53,314,406, C>T on the plus strand (G>A on the coding strand, the complement: AAAS is on the minus strand). VCF-style: chr12-53314406-C-T. GRCh37 (hg19) VCF-style: chr12-53708190-C-T.
Other names: c.581G>A (NM_015665.5); c.482G>A, p.Arg161Gln (NM_001173466.2); short protein forms R194Q, R161Q.
Identifiers: ClinVar variation 1958346 (VCV001958346.3), dbSNP rs763760167, ClinGen allele CA6599154.

ClinVar aggregate classification (germline): Uncertain significance. Review status: criteria provided, multiple submitters, no conflicts (2 of 4 stars). 2 submissions from 2 submitters: Uncertain significance (2). Last evaluated 2025-12-09.

Conditions:
Inborn genetic diseases. Identifiers: MedGen C0950123, MeSH D030342.

Allele frequency attached by ClinVar (database versions not stated): ExAC 0.00001; gnomAD 0.00001; gnomAD exomes below 0.00001; TOPMed 0.00002.
gnomAD v4.1: 7 of 1,614,004 alleles (0.00043%); highest among the groups gnomAD compares: African/African-American, 0.0027%; no homozygotes.

Submissions (2):

Ambry Genetics
Classification: Uncertain significance for Inborn genetic diseases. Last evaluated: 2025-12-09. Review status: criteria provided, single submitter. Criteria: Ambry Variant Classification Scheme 2023. Collection method: clinical testing. Allele origin: germline.
Comment: The c.581G>A (p.R194Q) alteration is located in exon 7 (coding exon 7) of the AAAS gene. This alteration results from a G to A substitution at nucleotide position 581, causing the arginine (R) at amino acid position 194 to be replaced by a glutamine (Q). Based on data from gnomAD, the A allele has an overall frequency of 0.001% (2/251382) total alleles studied. The highest observed frequency was 0.003% (1/30614) of South Asian alleles. Based on insufficient or conflicting evidence, the clinical significance of this alteration remains unclear.

Labcorp Genetics (formerly Invitae), Labcorp
Classification: Uncertain significance. Last evaluated: 2022-06-10. Review status: criteria provided, single submitter. Criteria: Invitae Variant Classification Sherloc (09022015). Collection method: clinical testing. Allele origin: germline.
Comment: This sequence change replaces arginine, which is basic and polar, with glutamine, which is neutral and polar, at codon 194 of the AAAS protein (p.Arg194Gln). This variant is present in population databases (rs763760167, gnomAD 0.003%). This variant has not been reported in the literature in individuals affected with AAAS-related conditions. Algorithms developed to predict the effect of missense changes on protein structure and function are either unavailable or do not agree on the potential impact of this missense change (SIFT: "Tolerated"; PolyPhen-2: "Probably Damaging"; Align-GVGD: "Class C0"). In summary, the available evidence is currently insufficient to determine the role of this variant in disease. Therefore, it has been classified as a Variant of Uncertain Significance.